The following is an entry in ClinVar:

NM_005534.4(IFNGR2):c.889G>A (p.Asp297Asn)

Genes: IFNGR2 (interferon gamma receptor 2; plus strand), TMEM50B (transmembrane protein 50B; minus strand). Cytogenetic location: 21q22.11.
Variant type: single nucleotide variant.
Coding change: c.889G>A on transcript NM_005534.4 (MANE Select); coding-DNA position 889, G replaced by A.
Protein change: p.Asp297Asn; replaces aspartic acid 297 with asparagine.
Molecular consequence: missense variant.
Genome position (GRCh38, 1-based): chr21:33,436,837, G>A. VCF-style: chr21-33436837-G-A. GRCh37 (hg19) VCF-style: chr21-34809144-G-A.
Other names: c.946G>A, p.Asp316Asn (NM_001329128.2); short protein forms D297N, D316N.
Identifiers: ClinVar variation 111259 (VCV000111259.9), dbSNP rs121913219, ClinGen allele CA230579.

ClinVar aggregate classification (germline): Uncertain significance. Review status: criteria provided, single submitter (1 of 4 stars). 2 submissions from 2 submitters: Uncertain significance (1). 1 of the submissions does not count toward it. Last evaluated 2023-05-15.

Conditions:
Immunodeficiency 28 (IMD28). Also called: IFNGR2 DEFICIENCY. Identifiers: Orphanet 319547, Orphanet 319574, MedGen C4013947, MONDO:0013953, OMIM 614889.

Allele frequency attached by ClinVar (database versions not stated): gnomAD exomes 0.00001 and 0.00002; ExAC 0.00003; gnomAD 0.00007; TOPMed 0.00008; 1000 Genomes Project 30x 0.00016; 1000 Genomes Project 0.00020.
gnomAD v4.1: 22 of 1,614,036 alleles (0.0014%); highest among the groups gnomAD compares: African/African-American, 0.028%; no homozygotes.

Submissions (2):

Labcorp Genetics (formerly Invitae), Labcorp
Classification: Uncertain significance for Immunodeficiency 28. Last evaluated: 2023-05-15. Review status: criteria provided, single submitter. Criteria: Invitae Variant Classification Sherloc (09022015). Collection method: clinical testing. Allele origin: germline.
Comment: In summary, the available evidence is currently insufficient to determine the role of this variant in disease. Therefore, it has been classified as a Variant of Uncertain Significance. Algorithms developed to predict the effect of sequence changes on RNA splicing suggest that this variant may create or strengthen a splice site. Algorithms developed to predict the effect of missense changes on protein structure and function output the following: SIFT: "Not Available"; PolyPhen-2: "Possibly Damaging"; Align-GVGD: "Not Available". The asparagine amino acid residue is found in multiple mammalian species, which suggests that this missense change does not adversely affect protein function. ClinVar contains an entry for this variant (Variation ID: 111259). This variant has not been reported in the literature in individuals affected with IFNGR2-related conditions. This variant is present in population databases (rs121913219, gnomAD 0.03%). This sequence change replaces aspartic acid, which is acidic and polar, with asparagine, which is neutral and polar, at codon 297 of the IFNGR2 protein (p.Asp297Asn).

Human Evolutionary Genetics, Institut Pasteur
No classification provided. Review status: no classification provided. Collection method: not provided. Allele origin: not provided. Not counted in ClinVar's aggregate classification.